The following is an entry in ClinVar:

ClinVar aggregate classification (germline): Uncertain significance. Review status: criteria provided, multiple submitters, no conflicts (2 of 4 stars). 3 submissions from 3 submitters: Uncertain significance (3). Last evaluated 2025-01-06.

Conditions:
Inborn genetic diseases. Identifiers: MedGen C0950123, MeSH D030342.
Agammaglobulinemia 4, autosomal recessive (AGM4). Also called: B cell linker protein deficiency; AGAMMAGLOBULINEMIA, AUTOSOMAL RECESSIVE, DUE TO BLNK DEFECT. Identifiers: MedGen C3150752, MONDO:0013289, OMIM 613502.

Allele frequency attached by ClinVar (database versions not stated): ExAC 0.00008; gnomAD 0.00011 and 0.00012; TOPMed 0.00012; gnomAD exomes 0.00013 and 0.00037; ESP Exome Variant Server 0.00015; 1000 Genomes Project 30x 0.00016; 1000 Genomes Project 0.00020.
gnomAD v4.1: 551 of 1,613,924 alleles (0.034%); highest among the groups gnomAD compares: Non-Finnish European, 0.045%; no homozygotes.

Submissions (3):

Labcorp Genetics (formerly Invitae), Labcorp
Classification: Uncertain significance for Agammaglobulinemia 4, autosomal recessive. Last evaluated: 2025-01-06. Review status: criteria provided, single submitter. Criteria: Invitae Variant Classification Sherloc (09022015). Collection method: clinical testing. Allele origin: germline.
Comment: This sequence change replaces alanine, which is neutral and non-polar, with threonine, which is neutral and polar, at codon 218 of the BLNK protein (p.Ala218Thr). This variant is present in population databases (rs375608442, gnomAD 0.03%). This variant has not been reported in the literature in individuals affected with BLNK-related conditions. ClinVar contains an entry for this variant (Variation ID: 583253). Invitae Evidence Modeling of protein sequence and biophysical properties (such as structural, functional, and spatial information, amino acid conservation, physicochemical variation, residue mobility, and thermodynamic stability) indicates that this missense variant is not expected to disrupt BLNK protein function with a negative predictive value of 80%. In summary, the available evidence is currently insufficient to determine the role of this variant in disease. Therefore, it has been classified as a Variant of Uncertain Significance.

Ambry Genetics
Classification: Uncertain significance for Inborn genetic diseases. Last evaluated: 2024-08-05. Review status: criteria provided, single submitter. Criteria: Ambry Variant Classification Scheme 2023. Collection method: clinical testing. Allele origin: germline.

Blueprint Genetics
Classification: Uncertain significance. Last evaluated: 2023-08-31. Review status: criteria provided, single submitter. Criteria: ACMG Guidelines, 2015. Collection method: clinical testing. Allele origin: germline.

NM_013314.4(BLNK):c.652G>A (p.Ala218Thr)

Gene: BLNK (B cell linker; minus strand). Cytogenetic location: 10q24.1.
Variant type: single nucleotide variant.
Coding change: c.652G>A on transcript NM_013314.4 (MANE Select); coding-DNA position 652, G replaced by A.
Protein change: p.Ala218Thr; replaces alanine 218 with threonine.
Molecular consequence: missense variant. On other transcripts: non-coding transcript variant (1), intron variant (3).
Genome position (GRCh38, 1-based): chr10:96,215,345, C>T on the plus strand (G>A on the coding strand, the complement: BLNK is on the minus strand). VCF-style: chr10-96215345-C-T. GRCh37 (hg19) VCF-style: chr10-97975101-C-T.
Other names: c.652G>A, p.Ala218Thr (NM_001258440.2); c.350-13G>A (NM_001258442.2); c.607+1308G>A (NM_001258441.2, NM_001114094.2); short protein forms A218T.
Identifiers: ClinVar variation 583253 (VCV000583253.8), dbSNP rs375608442, ClinGen allele CA5623380.